The following is an entry in ClinVar:

NM_030753.5(WNT3):c.161A>G (p.Lys54Arg)

Genes: LRRC37A2 (leucine rich repeat containing 37 member A2), WNT3 (Wnt family member 3; minus strand). Cytogenetic location: 17q21.31.
Variant type: single nucleotide variant.
Coding change: c.161A>G on transcript NM_030753.5 (MANE Select); coding-DNA position 161, A replaced by G.
Protein change: p.Lys54Arg; replaces lysine 54 with arginine.
Molecular consequence: missense variant.
Genome position (GRCh38, 1-based): chr17:46,773,829, T>C on the plus strand (A>G on the coding strand, the complement: WNT3 is on the minus strand). VCF-style: chr17-46773829-T-C. GRCh37 (hg19) VCF-style: chr17-44851195-T-C.
Other names: c.161A>G (NM_030753.3); short protein forms K54R.
Identifiers: ClinVar variation 1896464 (VCV001896464.6), dbSNP rs1285314376, ClinGen allele CA400011509.

ClinVar aggregate classification (germline): Uncertain significance. Review status: criteria provided, multiple submitters, no conflicts (2 of 4 stars). 2 submissions from 2 submitters: Uncertain significance (2). Last evaluated 2025-02-06.

Allele frequency attached by ClinVar (database versions not stated): gnomAD 0.00001; gnomAD exomes 0.00001; TOPMed 0.00001.
gnomAD v4.1: 12 of 1,613,234 alleles (0.00074%); highest among the groups gnomAD compares: African/African-American, 0.0013%; no homozygotes.

Submissions (2):

Ambry Genetics
Classification: Uncertain significance. Last evaluated: 2025-02-06. Review status: criteria provided, single submitter. Criteria: Ambry Variant Classification Scheme 2023. Collection method: clinical testing. Allele origin: germline.

Labcorp Genetics (formerly Invitae), Labcorp
Classification: Uncertain significance. Last evaluated: 2022-06-30. Review status: criteria provided, single submitter. Criteria: Invitae Variant Classification Sherloc (09022015). Collection method: clinical testing. Allele origin: germline.
Comment: This sequence change replaces lysine, which is basic and polar, with arginine, which is basic and polar, at codon 54 of the WNT3 protein (p.Lys54Arg). This variant is present in population databases (no rsID available, gnomAD 0.01%). In summary, the available evidence is currently insufficient to determine the role of this variant in disease. Therefore, it has been classified as a Variant of Uncertain Significance. Algorithms developed to predict the effect of missense changes on protein structure and function are either unavailable or do not agree on the potential impact of this missense change (SIFT: "Deleterious"; PolyPhen-2: "Benign"; Align-GVGD: "Class C25"). This variant has not been reported in the literature in individuals affected with WNT3-related conditions.